The following is an entry in ClinVar:

NM_001394062.1(MACF1):c.12113C>T (p.Thr4038Ile)

Genes: MACF1 (microtubule actin crosslinking factor 1; plus strand), LOC126805711 (CDK7 strongly-dependent group 2 enhancer GRCh37_chr1:39824023-39825222; plus strand). Cytogenetic location: 1p34.3.
Variant type: single nucleotide variant.
Coding change: c.12113C>T on transcript NM_001394062.1 (MANE Select); coding-DNA position 12113, C replaced by T.
Protein change: p.Thr4038Ile; replaces threonine 4038 with isoleucine.
Molecular consequence: missense variant.
Genome position (GRCh38, 1-based): chr1:39,358,866, C>T. VCF-style: chr1-39358866-C-T. GRCh37 (hg19) VCF-style: chr1-39824538-C-T.
Other names: c.5927C>T, p.Thr1976Ile (NM_012090.5); c.5927C>T (NM_012090.4); short protein forms T1976I, T4038I.
Identifiers: ClinVar variation 1978318 (VCV001978318.5), dbSNP rs141410561, ClinGen allele CA781729.

ClinVar aggregate classification (germline): Conflicting classifications of pathogenicity. Review status: criteria provided, conflicting classifications (1 of 4 stars). 2 submissions from 2 submitters: Uncertain significance (1); Likely benign (1). Last evaluated 2025-04-18.

Conditions:
Inborn genetic diseases. Identifiers: MedGen C0950123, MeSH D030342.

Allele frequency attached by ClinVar (database versions not stated): gnomAD exomes below 0.00001; ExAC 0.00002; gnomAD 0.00005; TOPMed 0.00005; ESP Exome Variant Server 0.00008.
gnomAD v4.1: 11 of 1,607,516 alleles (0.00068%); highest among the groups gnomAD compares: African/African-American, 0.013%; no homozygotes.

Submissions (2):

Ambry Genetics
Classification: Likely benign for Inborn genetic diseases. Last evaluated: 2025-04-18. Review status: criteria provided, single submitter. Criteria: Ambry Variant Classification Scheme 2023. Collection method: clinical testing. Allele origin: germline.

Labcorp Genetics (formerly Invitae), Labcorp
Classification: Uncertain significance. Last evaluated: 2022-04-21. Review status: criteria provided, single submitter. Criteria: Invitae Variant Classification Sherloc (09022015). Collection method: clinical testing. Allele origin: germline.
Comment: In summary, the available evidence is currently insufficient to determine the role of this variant in disease. Therefore, it has been classified as a Variant of Uncertain Significance. Algorithms developed to predict the effect of missense changes on protein structure and function (SIFT, PolyPhen-2, Align-GVGD) all suggest that this variant is likely to be tolerated. This variant has not been reported in the literature in individuals affected with MACF1-related conditions. This variant is present in population databases (rs141410561, gnomAD 0.01%). This sequence change replaces threonine, which is neutral and polar, with isoleucine, which is neutral and non-polar, at codon 1976 of the MACF1 protein (p.Thr1976Ile).